The following is an entry in ClinVar:

ClinVar aggregate classification (germline): Uncertain significance (1 of 4 stars; one submission).

gnomAD v4.1: 1 of 1,211,933 alleles (0.000083%); highest among the groups gnomAD compares: Non-Finnish European, 0.00011%; no homozygotes.

Submission:

GeneDx
Classification: Uncertain significance. Last evaluated: 2026-02-24. Review status: criteria provided, single submitter. Criteria: GeneDx Variant Classification Process June 2021. Collection method: clinical testing. Allele origin: germline.
Comment: Not observed at significant frequency in large population cohorts (gnomAD); In silico analysis suggests that this missense variant does not alter protein structure/function; Has not been previously published as pathogenic or benign to our knowledge

NM_001448.3(GPC4):c.1123A>G (p.Thr375Ala)

Gene: GPC4 (glypican 4; minus strand). Cytogenetic location: Xq26.2.
Variant type: single nucleotide variant.
Coding change: c.1123A>G on transcript NM_001448.3 (MANE Select); coding-DNA position 1123, A replaced by G.
Protein change: p.Thr375Ala; replaces threonine 375 with alanine.
Molecular consequence: missense variant.
Genome position (GRCh38, 1-based): chrX:133,305,804, T>C on the plus strand (A>G on the coding strand, the complement: GPC4 is on the minus strand). VCF-style: chrX-133305804-T-C. GRCh37 (hg19) VCF-style: chrX-132439832-T-C.
Other names: short protein forms T375A.
Identifiers: ClinVar variation 5009993 (VCV005009993.1).